The following is an entry in ClinVar:

ClinVar aggregate classification (germline): Uncertain significance (1 of 4 stars; one submission).

Submission:

Labcorp Genetics (formerly Invitae), Labcorp
Classification: Uncertain significance. Last evaluated: 2022-08-28. Review status: criteria provided, single submitter. Criteria: Invitae Variant Classification Sherloc (09022015). Collection method: clinical testing. Allele origin: germline.
Comment: This sequence change replaces phenylalanine, which is neutral and non-polar, with leucine, which is neutral and non-polar, at codon 2150 of the EYS protein (p.Phe2150Leu). This variant is not present in population databases (gnomAD no frequency). This variant has not been reported in the literature in individuals affected with EYS-related conditions. Algorithms developed to predict the effect of missense changes on protein structure and function are either unavailable or do not agree on the potential impact of this missense change (SIFT: "Deleterious"; PolyPhen-2: "Possibly Damaging"; Align-GVGD: "Class C15"). In summary, the available evidence is currently insufficient to determine the role of this variant in disease. Therefore, it has been classified as a Variant of Uncertain Significance.

NM_001142800.2(EYS):c.6448T>C (p.Phe2150Leu)

Gene: EYS (eyes shut homolog; minus strand). Cytogenetic location: 6q12.
Variant type: single nucleotide variant.
Coding change: c.6448T>C on transcript NM_001142800.2 (MANE Select); coding-DNA position 6448, T replaced by C.
Protein change: p.Phe2150Leu; replaces phenylalanine 2150 with leucine.
Molecular consequence: missense variant.
Genome position (GRCh38, 1-based): chr6:64,081,979, A>G on the plus strand (T>C on the coding strand, the complement: EYS is on the minus strand). VCF-style: chr6-64081979-A-G. GRCh37 (hg19) VCF-style: chr6-64791872-A-G.
Other names: c.6448T>C, p.Phe2150Leu (NM_001292009.2); short protein forms F2150L.
Identifiers: ClinVar variation 1976102 (VCV001976102.2), dbSNP rs2533588709, ClinGen allele CA364391065.